The following is an entry in ClinVar:

ClinVar aggregate classification (germline): Likely pathogenic (1 of 4 stars; one submission).

Conditions:
Cardiac anomalies - developmental delay - facial dysmorphism syndrome (MRFACD). Also called: Impaired intellectual development and distinctive facial features with or without cardiac defects; MED13L Syndrome. Identifiers: Orphanet 369891, MedGen C5192431, MONDO:0014773, OMIM 616789.

Submission:

3billion
Classification: Likely pathogenic for Cardiac anomalies - developmental delay - facial dysmorphism syndrome. Last evaluated: 2024-09-02. Review status: criteria provided, single submitter. Criteria: ACMG Guidelines, 2015. Collection method: clinical testing. Allele origin: germline. Affected: yes.
Comment: The variant is not observed in the gnomAD v4.0.0 dataset. Predicted Consequence/Location: Frameshift: predicted to result in a loss or disruption of normal protein function through nonsense-mediated decay (NMD) or protein truncation. Multiple pathogenic variants are reported downstream of the variant. Therefore, this variant is classified as Likely pathogenic according to the recommendation of ACMG/AMP guideline.

NM_015335.5(MED13L):c.750_753del (p.Glu251fs)

Gene: MED13L (mediator complex subunit 13L; minus strand). Cytogenetic location: 12q24.21.
Variant type: Microsatellite.
Coding change: c.750_753del on transcript NM_015335.5 (MANE Select); coding-DNA positions 750 to 753, 4 bases deleted (AGAA; older notation c.750_753delAGAA).
Protein change: p.Glu251fs; shifts the reading frame from glutamic acid 251.
Molecular consequence: frameshift variant.
Genome position (GRCh38, 1-based): chr12:116,019,845-116,019,848, TTCT deleted on the plus strand (AGAA on the coding strand, the reverse complement: MED13L is on the minus strand); deleting any 4 consecutive bases within chr12:116,019,845-116,019,854 gives the same sequence; the c. name uses the placement nearest the transcript's 3' end. VCF-style (leftmost placement, unchanged base first): chr12-116019844-CTTCT-C. GRCh37 (hg19) VCF-style: chr12-116457649-CTTCT-C.
Other names: short protein forms E251fs.
Identifiers: ClinVar variation 4292184 (VCV004292184.1).